The following is an entry in ClinVar:

NM_006744.4(RBP4):c.170A>T (p.Asp57Val)

Gene: RBP4 (retinol binding protein 4; minus strand). Cytogenetic location: 10q23.33.
Variant type: single nucleotide variant.
Coding change: c.170A>T on transcript NM_006744.4 (MANE Select); coding-DNA position 170, A replaced by T.
Protein change: p.Asp57Val; replaces aspartic acid 57 with valine.
Molecular consequence: missense variant.
Genome position (GRCh38, 1-based): chr10:93,600,745, T>A on the plus strand (A>T on the coding strand, the complement: RBP4 is on the minus strand). VCF-style: chr10-93600745-T-A. GRCh37 (hg19) VCF-style: chr10-95360502-T-A.
Other names: c.170A>T, p.Asp57Val (NM_001323517.1); c.164A>T, p.Asp55Val (NM_001323518.2); short protein forms D57V, D55V.
Identifiers: ClinVar variation 3658667 (VCV003658667.2).

ClinVar aggregate classification (germline): Uncertain significance (1 of 4 stars; one submission).

Submission:

Labcorp Genetics (formerly Invitae), Labcorp
Classification: Uncertain significance. Last evaluated: 2024-07-13. Review status: criteria provided, single submitter. Criteria: Invitae Variant Classification Sherloc (09022015). Collection method: clinical testing. Allele origin: germline.
Comment: This sequence change replaces aspartic acid, which is acidic and polar, with valine, which is neutral and non-polar, at codon 57 of the RBP4 protein (p.Asp57Val). This variant is not present in population databases (gnomAD no frequency). This variant has not been reported in the literature in individuals affected with RBP4-related conditions. An algorithm developed to predict the effect of missense changes on protein structure and function (PolyPhen-2) suggests that this variant is likely to be disruptive. In summary, the available evidence is currently insufficient to determine the role of this variant in disease. Therefore, it has been classified as a Variant of Uncertain Significance.